The following is an entry in ClinVar:

ClinVar aggregate classification (germline): Uncertain significance. Review status: criteria provided, multiple submitters, no conflicts (2 of 4 stars). 2 submissions from 2 submitters: Uncertain significance (2). Last evaluated 2026-03-02.

Conditions:
Inborn genetic diseases. Identifiers: MedGen C0950123, MeSH D030342.

Submissions (2):

Ambry Genetics
Classification: Uncertain significance for Inborn genetic diseases. Last evaluated: 2026-03-02. Review status: criteria provided, single submitter. Criteria: Ambry Variant Classification Scheme 2023. Collection method: clinical testing. Allele origin: germline.

Greenwood Genetic Center Diagnostic Laboratories, Greenwood Genetic Center
Classification: Uncertain significance. Last evaluated: 2022-09-29. Review status: criteria provided, single submitter. Criteria: ACMG Guidelines, 2015. Collection method: clinical testing. Allele origin: germline. Affected: yes.
Comment: Gene of Uncertain Significance

NM_013436.5(NCKAP1):c.1995G>C (p.Met665Ile)

Gene: NCKAP1 (NCK associated protein 1; minus strand). Cytogenetic location: 2q32.1.
Variant type: single nucleotide variant.
Coding change: c.1995G>C on transcript NM_013436.5 (MANE Select); coding-DNA position 1995, G replaced by C.
Protein change: p.Met665Ile; replaces methionine 665 with isoleucine.
Molecular consequence: missense variant.
Genome position (GRCh38, 1-based): chr2:182,957,483, C>G on the plus strand (G>C on the coding strand, the complement: NCKAP1 is on the minus strand). VCF-style: chr2-182957483-C-G. GRCh37 (hg19) VCF-style: chr2-183822211-C-G.
Other names: c.2013G>C, p.Met671Ile (NM_205842.3); c.2013G>C (NM_205842.1); short protein forms M665I, M671I.
Identifiers: ClinVar variation 1710428 (VCV001710428.4), dbSNP rs2468595292, ClinGen allele CA349758582.